The following is an entry in ClinVar:

ClinVar aggregate classification (germline): Uncertain significance (1 of 4 stars; one submission).

Conditions:
Inborn genetic diseases. Identifiers: MedGen C0950123, MeSH D030342.

Submission:

Ambry Genetics
Classification: Uncertain significance for Inborn genetic diseases. Last evaluated: 2026-05-22. Review status: criteria provided, single submitter. Criteria: Ambry Variant Classification Scheme 2023. Collection method: clinical testing. Allele origin: germline.
Comment: The p.F1305Y variant (also known as c.3914T>A), located in coding exon 13 of the ASXL1 gene, results from a T to A substitution at nucleotide position 3914. The phenylalanine at codon 1305 is replaced by tyrosine, an amino acid with highly similar properties. This amino acid position is conserved. In addition, this alteration is predicted to be tolerated by in silico analysis. Based on the available evidence, the clinical significance of this variant remains unclear.

NM_015338.6(ASXL1):c.3914T>A (p.Phe1305Tyr)

Gene: ASXL1 (ASXL transcriptional regulator 1; plus strand). Cytogenetic location: 20q11.21.
Variant type: single nucleotide variant.
Coding change: c.3914T>A on transcript NM_015338.6 (MANE Select); coding-DNA position 3914, T replaced by A.
Protein change: p.Phe1305Tyr; replaces phenylalanine 1305 with tyrosine.
Molecular consequence: missense variant.
Genome position (GRCh38, 1-based): chr20:32,436,626, T>A. VCF-style: chr20-32436626-T-A. GRCh37 (hg19) VCF-style: chr20-31024429-T-A.
Other names: c.3731T>A, p.Phe1244Tyr (NM_001363734.1); short protein forms F1305Y, F1244Y.
Identifiers: ClinVar variation 4864765 (VCV004864765.1), dbSNP rs745736272.
Genomic context (GRCh38, chr20:32,436,626, plus strand): 5'-AGCAGACAGGTCGGGCCCTGGGTGATCAGAGCAATGTTACAGGCCAAGGGAAGAAGCTTT[T>A]TGGCTCTGGGAATGTGGCTGCAACCCTTCAGCGCCCCAGGCCTGCGGACCCGATGCCTCT-3'
Protein context (NP_056153.2, residues 1295-1315): SNVTGQGKKL[Phe1305Tyr]GSGNVAATLQ